The following is an entry in ClinVar:

NM_001042492.3(NF1):c.166A>G (p.Ser56Gly)

Gene: NF1 (neurofibromin 1; plus strand). Cytogenetic location: 17q11.2.
Variant type: single nucleotide variant.
Coding change: c.166A>G on transcript NM_001042492.3 (MANE Select); coding-DNA position 166, A replaced by G.
Protein change: p.Ser56Gly; replaces serine 56 with glycine.
Molecular consequence: missense variant.
Genome position (GRCh38, 1-based): chr17:31,156,088, A>G. VCF-style: chr17-31156088-A-G. GRCh37 (hg19) VCF-style: chr17-29483106-A-G.
Other names: c.166A>G, p.Ser56Gly (NM_000267.4, NM_001128147.3); short protein forms S56G.
Identifiers: ClinVar variation 855908 (VCV000855908.7), dbSNP rs751891720, ClinGen allele CA398988585.

ClinVar aggregate classification (germline): Uncertain significance. Review status: criteria provided, multiple submitters, no conflicts (2 of 4 stars). 2 submissions from 2 submitters: Uncertain significance (2). Last evaluated 2025-09-20.

Conditions:
Neurofibromatosis, type 1 (NF1). Also called: Neurofibromatosis, type I; VON RECKLINGHAUSEN DISEASE; Peripheral type neurofibromatosis; NEUROFIBROMATOSIS, TYPE I, SOMATIC. Identifiers: Orphanet 636, MedGen C0027831, MONDO:0018975, OMIM 162200. Disease mechanism: loss of function.
Hereditary cancer-predisposing syndrome. Also called: Hereditary neoplastic syndrome; Tumor predisposition; Neoplastic Syndromes, Hereditary; Hereditary Cancer Syndrome. Identifiers: Orphanet 140162, MedGen C0027672, MeSH D009386, MONDO:0015356.
Cardiovascular phenotype. Identifiers: MedGen CN230736.

Submissions (2):

Ambry Genetics
Classification: Uncertain significance for Cardiovascular phenotype; Hereditary cancer-predisposing syndrome. Last evaluated: 2025-09-20. Review status: criteria provided, single submitter. Criteria: Ambry Variant Classification Scheme 2023. Collection method: clinical testing. Allele origin: germline.
Comment: The p.S56G variant (also known as c.166A>G), located in coding exon 2 of the NF1 gene, results from an A to G substitution at nucleotide position 166. The serine at codon 56 is replaced by glycine, an amino acid with similar properties. This amino acid position is conserved. In addition, this alteration is predicted to be tolerated by in silico analysis. Based on the available evidence, the clinical significance of this variant remains unclear.

Labcorp Genetics (formerly Invitae), Labcorp
Classification: Uncertain significance for Neurofibromatosis, type 1. Last evaluated: 2025-03-13. Review status: criteria provided, single submitter. Criteria: Invitae Variant Classification Sherloc (09022015). Collection method: clinical testing. Allele origin: germline.
Comment: This sequence change replaces serine, which is neutral and polar, with glycine, which is neutral and non-polar, at codon 56 of the NF1 protein (p.Ser56Gly). This variant is not present in population databases (gnomAD no frequency). This variant has not been reported in the literature in individuals affected with NF1-related conditions. ClinVar contains an entry for this variant (Variation ID: 855908). Invitae Evidence Modeling of protein sequence and biophysical properties (such as structural, functional, and spatial information, amino acid conservation, physicochemical variation, residue mobility, and thermodynamic stability) indicates that this missense variant is not expected to disrupt NF1 protein function with a negative predictive value of 95%. In summary, the available evidence is currently insufficient to determine the role of this variant in disease. Therefore, it has been classified as a Variant of Uncertain Significance.